The following is an entry in ClinVar:

ClinVar aggregate classification (germline): Uncertain significance (1 of 4 stars; one submission).

Conditions:
Epilepsy, progressive myoclonic, 1B. Also called: PME. Identifiers: Orphanet 308, MedGen C2676254, MONDO:0012904, OMIM 612437.

gnomAD v4.1: 16 of 1,613,922 alleles (0.00099%); highest among the groups gnomAD compares: South Asian, 0.0033%; no homozygotes.

Submission:

Labcorp Genetics (formerly Invitae), Labcorp
Classification: Uncertain significance for Epilepsy, progressive myoclonic, 1B. Last evaluated: 2024-12-16. Review status: criteria provided, single submitter. Criteria: Invitae Variant Classification Sherloc (09022015). Collection method: clinical testing. Allele origin: germline.
Comment: This sequence change replaces arginine, which is basic and polar, with tryptophan, which is neutral and slightly polar, at codon 104 of the PRICKLE1 protein (p.Arg104Trp). This variant is present in population databases (rs772217655, gnomAD 0.01%). This variant has not been reported in the literature in individuals affected with PRICKLE1-related conditions. Invitae Evidence Modeling of protein sequence and biophysical properties (such as structural, functional, and spatial information, amino acid conservation, physicochemical variation, residue mobility, and thermodynamic stability) indicates that this missense variant is expected to disrupt PRICKLE1 protein function with a positive predictive value of 80%. This variant disrupts the p.Arg104 amino acid residue in PRICKLE1. Other variant(s) that disrupt this residue have been determined to be pathogenic (PMID: 18976727, 32214227). This suggests that this residue is clinically significant, and that variants that disrupt this residue are likely to be disease-causing. In summary, the available evidence is currently insufficient to determine the role of this variant in disease. Therefore, it has been classified as a Variant of Uncertain Significance.

Literature cited by the submitters: PubMed 18976727; PubMed 32214227.

NM_153026.3(PRICKLE1):c.310C>T (p.Arg104Trp)

Genes: PRICKLE1 (prickle planar cell polarity protein 1; minus strand), LOC130007700 (ATAC-STARR-seq lymphoblastoid active region 6212; plus strand). Cytogenetic location: 12q12.
Variant type: single nucleotide variant.
Coding change: c.310C>T on transcript NM_153026.3 (MANE Select); coding-DNA position 310, C replaced by T.
Protein change: p.Arg104Trp; replaces arginine 104 with tryptophan.
Molecular consequence: missense variant.
Genome position (GRCh38, 1-based): chr12:42,469,524, G>A on the plus strand (C>T on the coding strand, the complement: PRICKLE1 is on the minus strand). VCF-style: chr12-42469524-G-A. GRCh37 (hg19) VCF-style: chr12-42863326-G-A.
Other names: c.310C>T, p.Arg104Trp (NM_001144881.2, NM_001144882.2, NM_001144883.2); short protein forms R104W.
Identifiers: ClinVar variation 3628496 (VCV003628496.2).
Genomic context (GRCh38, chr12:42,469,524, plus strand): 5'-CATGCATGACTGCTCTGGACAGAAGCTTAATTGTTCCTCTTCCCAGTGCTTCTTTCTTCC[G>A]CTGAGCACTGAACACCTGCAACTCTTTTTTCTCCTCTTCACTCAAAGACTGGCAATACCG-3'
Protein context (NP_694571.2, residues 94-114): KKELQVFSAQ[Arg104Trp]KKEALGRGTI